The following is an entry in ClinVar:

NM_001079668.3(NKX2-1):c.658G>A (p.Glu220Lys)

Genes: NKX2-1 (NK2 homeobox 1; minus strand), SFTA3 (surfactant associated 3; minus strand). Cytogenetic location: 14q13.3.
Variant type: single nucleotide variant.
Coding change: c.658G>A on transcript NM_001079668.3 (MANE Select); coding-DNA position 658, G replaced by A.
Protein change: p.Glu220Lys; replaces glutamic acid 220 with lysine.
Molecular consequence: missense variant.
Genome position (GRCh38, 1-based): chr14:36,517,826, C>T on the plus strand (G>A on the coding strand, the complement: NKX2-1 is on the minus strand). VCF-style: chr14-36517826-C-T. GRCh37 (hg19) VCF-style: chr14-36987031-C-T.
Other names: c.568G>A, p.Glu190Lys (NM_003317.4); short protein forms E190K, E220K.
Identifiers: ClinVar variation 1486375 (VCV001486375.6), dbSNP rs2139407488, ClinGen allele CA389459335.

ClinVar aggregate classification (germline): Likely pathogenic (1 of 4 stars; one submission).

Submission:

Labcorp Genetics (formerly Invitae), Labcorp
Classification: Likely pathogenic. Last evaluated: 2021-10-18. Review status: criteria provided, single submitter. Criteria: Invitae Variant Classification Sherloc (09022015). Collection method: clinical testing. Allele origin: germline.
Comment: This missense change has been observed in individual(s) with clinical features of NKX2-1-related conditions (Invitae). In at least one individual the variant was observed to be de novo. This variant is not present in population databases (ExAC no frequency). This sequence change replaces glutamic acid with lysine at codon 220 of the NKX2-1 protein (p.Glu220Lys). The glutamic acid residue is highly conserved and there is a small physicochemical difference between glutamic acid and lysine. Algorithms developed to predict the effect of missense changes on protein structure and function (SIFT, PolyPhen-2, Align-GVGD) all suggest that this variant is likely to be disruptive. In summary, the currently available evidence indicates that the variant is pathogenic, but additional data are needed to prove that conclusively. Therefore, this variant has been classified as Likely Pathogenic.